The following is an entry in ClinVar:

ClinVar aggregate classification (germline): Pathogenic (1 of 4 stars; one submission).

Conditions:
Primary ciliary dyskinesia. Also called: Ciliary dyskinesia. Identifiers: Orphanet 244, MedGen C0008780, MONDO:0016575, HP:0012265.

Submission:

Labcorp Genetics (formerly Invitae), Labcorp
Classification: Pathogenic for Primary ciliary dyskinesia. Last evaluated: 2024-11-13. Review status: criteria provided, single submitter. Criteria: Invitae Variant Classification Sherloc (09022015). Collection method: clinical testing. Allele origin: germline.
Comment: This sequence change creates a premature translational stop signal (p.Ser1011Asnfs*25) in the DNAH8 gene. It is expected to result in an absent or disrupted protein product. Loss-of-function variants in DNAH8 are known to be pathogenic (PMID: 24307375, 32619401, 32681648). This variant is present in population databases (rs781128315, gnomAD 0.004%). This variant has not been reported in the literature in individuals affected with DNAH8-related conditions. ClinVar contains an entry for this variant (Variation ID: 2141653). For these reasons, this variant has been classified as Pathogenic.

Literature cited by the submitters: PubMed 24307375; PubMed 32619401; PubMed 32681648.

NM_001206927.2(DNAH8):c.3031_3034del (p.Ser1011fs)

Gene: DNAH8 (dynein axonemal heavy chain 8; plus strand). Cytogenetic location: 6p21.2.
Variant type: Deletion.
Coding change: c.3031_3034del on transcript NM_001206927.2 (MANE Select); coding-DNA positions 3031 to 3034, 4 bases deleted (TCAG; older notation c.3031_3034delTCAG).
Protein change: p.Ser1011fs; shifts the reading frame from serine 1011.
Molecular consequence: frameshift variant.
Genome position (GRCh38, 1-based): chr6:38,803,308-38,803,311, TCAG deleted; deleting any 4 consecutive bases within chr6:38,803,305-38,803,311 gives the same sequence; the c. name uses the placement nearest the transcript's 3' end. VCF-style (leftmost placement, unchanged base first): chr6-38803304-ACAGT-A. GRCh37 (hg19) VCF-style: chr6-38771080-ACAGT-A.
Other names: c.2380_2383del, p.Ser794fs (NM_001371.4); short protein forms S1011fs, S794fs.
Identifiers: ClinVar variation 2141653 (VCV002141653.4), dbSNP rs781128315, ClinGen allele CA3788686.
Genomic context (GRCh38, chr6:38,803,304, plus strand): 5'-AGAACTTATATCAATATTTGAGCAGATTTATGAAGTGAAATACACTGGGAAAGTAGGAAA[ACAGT>A]CAGGTAACTTTTCTCGTTACTGTGTTTGAATTACAAGATCTACAGATTCGTTCTTATGTA-3'